The following is an entry in ClinVar:

ClinVar aggregate classification (germline): Uncertain significance. Review status: criteria provided, multiple submitters, no conflicts (2 of 4 stars). 2 submissions from 2 submitters: Uncertain significance (2). Last evaluated 2025-01-28.

Conditions:
RASopathy. Also called: rasopathies; Noonan spectrum disorder. Identifiers: Orphanet 536391, MedGen C5555857, MONDO:0021060.
Cardiovascular phenotype. Identifiers: MedGen CN230736.

Allele frequency attached by ClinVar (database versions not stated): gnomAD exomes below 0.00001; TOPMed below 0.00001; gnomAD 0.00001.
gnomAD v4.1: 3 of 1,613,456 alleles (0.00019%); highest among the groups gnomAD compares: Non-Finnish European, 0.00025%; no homozygotes.

Submissions (2):

Ambry Genetics
Classification: Uncertain significance for Cardiovascular phenotype. Last evaluated: 2025-01-28. Review status: criteria provided, single submitter. Criteria: Ambry Variant Classification Scheme 2023. Collection method: clinical testing. Allele origin: germline.
Comment: The p.M450L variant (also known as c.1348A>T), located in coding exon 11 of the PTPN11 gene, results from an A to T substitution at nucleotide position 1348. The methionine at codon 450 is replaced by leucine, an amino acid with highly similar properties. This amino acid position is conserved. In addition, this alteration is predicted to be tolerated by in silico analysis. Based on the available evidence, the clinical significance of this variant remains unclear.

Labcorp Genetics (formerly Invitae), Labcorp
Classification: Uncertain significance for RASopathy. Last evaluated: 2023-06-27. Review status: criteria provided, single submitter. Criteria: Invitae Variant Classification Sherloc (09022015). Collection method: clinical testing. Allele origin: germline.
Comment: In summary, the available evidence is currently insufficient to determine the role of this variant in disease. Therefore, it has been classified as a Variant of Uncertain Significance. Advanced modeling of protein sequence and biophysical properties (such as structural, functional, and spatial information, amino acid conservation, physicochemical variation, residue mobility, and thermodynamic stability) performed at Invitae indicates that this missense variant is not expected to disrupt PTPN11 protein function. This variant has not been reported in the literature in individuals affected with PTPN11-related conditions. This variant is not present in population databases (gnomAD no frequency). This sequence change replaces methionine, which is neutral and non-polar, with leucine, which is neutral and non-polar, at codon 450 of the PTPN11 protein (p.Met450Leu).

NM_002834.5(PTPN11):c.1348A>T (p.Met450Leu)

Gene: PTPN11 (protein tyrosine phosphatase non-receptor type 11; plus strand). Cytogenetic location: 12q24.13.
Variant type: single nucleotide variant.
Coding change: c.1348A>T on transcript NM_002834.5 (MANE Select); coding-DNA position 1348, A replaced by T.
Protein change: p.Met450Leu; replaces methionine 450 with leucine.
Molecular consequence: missense variant.
Genome position (GRCh38, 1-based): chr12:112,486,598, A>T. VCF-style: chr12-112486598-A-T. GRCh37 (hg19) VCF-style: chr12-112924402-A-T.
Other names: c.1360A>T, p.Met454Leu (NM_001330437.2); c.1345A>T, p.Met449Leu (NM_001374625.1); c.1348A>T, p.Met450Leu (NM_080601.3); short protein forms M450L, M454L, M449L.
Identifiers: ClinVar variation 2978198 (VCV002978198.4), dbSNP rs2038680566, ClinGen allele CA386777614.
Genomic context (GRCh38, chr12:112,486,598, plus strand): 5'-AGCGACCCTGGGGGCGTGCTGGACTTCCTGGAGGAGGTGCACCATAAGCAGGAGAGCATC[A>T]TGGATGCAGGGCCGGTCGTGGTGCACTGCAGGTGACAGCTCCTGCTGCCCCTCTAGGCCA-3'
Protein context (NP_002825.3, residues 440-460): EEVHHKQESI[Met450Leu]DAGPVVVHCS